The following is an entry in ClinVar:

NM_000136.3(FANCC):c.847C>T (p.Gln283Ter)

Genes: AOPEP (aminopeptidase O (putative); plus strand), FANCC (FA complementation group C; minus strand). Cytogenetic location: 9q22.32.
Variant type: single nucleotide variant.
Coding change: c.847C>T on transcript NM_000136.3 (MANE Select); coding-DNA position 847, C replaced by T.
Protein change: p.Gln283Ter; replaces glutamine 283 with a stop codon.
Molecular consequence: nonsense.
Genome position (GRCh38, 1-based): chr9:95,126,578, G>A on the plus strand (C>T on the coding strand, the complement: FANCC is on the minus strand). VCF-style: chr9-95126578-G-A. GRCh37 (hg19) VCF-style: chr9-97888860-G-A.
Other names: c.847C>T, p.Gln283Ter (NM_001243743.2, NM_001243744.2); short protein forms Q283*.
Identifiers: ClinVar variation 836027 (VCV000836027.7), dbSNP rs1564667865, ClinGen allele CA374109152.

ClinVar aggregate classification (germline): Pathogenic (1 of 4 stars; one submission).

Conditions:
Fanconi anemia (FA). Also called: Fanconi's anemia. Identifiers: Orphanet 84, MedGen C0015625, MeSH D005199, MONDO:0019391.

Submission:

Labcorp Genetics (formerly Invitae), Labcorp
Classification: Pathogenic for Fanconi anemia. Last evaluated: 2021-11-24. Review status: criteria provided, single submitter. Criteria: Invitae Variant Classification Sherloc (09022015). Collection method: clinical testing. Allele origin: germline.
Comment: This variant is not present in population databases (gnomAD no frequency). This sequence change creates a premature translational stop signal (p.Gln283*) in the FANCC gene. It is expected to result in an absent or disrupted protein product. Loss-of-function variants in FANCC are known to be pathogenic (PMID: 17924555). This variant has not been reported in the literature in individuals affected with FANCC-related conditions. ClinVar contains an entry for this variant (Variation ID: 836027). For these reasons, this variant has been classified as Pathogenic.

Literature cited by the submitters: PubMed 17924555.